The following is an entry in ClinVar:

NM_001330700.2(TOP2B):c.4258G>A (p.Glu1420Lys)

Gene: TOP2B (DNA topoisomerase II beta; minus strand). Cytogenetic location: 3p24.2.
Variant type: single nucleotide variant.
Coding change: c.4258G>A on transcript NM_001330700.2 (MANE Select); coding-DNA position 4258, G replaced by A.
Protein change: p.Glu1420Lys; replaces glutamic acid 1420 with lysine.
Molecular consequence: missense variant.
Genome position (GRCh38, 1-based): chr3:25,607,211, C>T on the plus strand (G>A on the coding strand, the complement: TOP2B is on the minus strand). VCF-style: chr3-25607211-C-T. GRCh37 (hg19) VCF-style: chr3-25648702-C-T.
Other names: c.4243G>A, p.Glu1415Lys (NM_001068.3); short protein forms E1415K, E1420K.
Identifiers: ClinVar variation 1429816 (VCV001429816.6), dbSNP rs1702256693, ClinGen allele CA351892332.

ClinVar aggregate classification (germline): Uncertain significance (1 of 4 stars; one submission).

Allele frequency attached by ClinVar (database versions not stated): gnomAD exomes below 0.00001; TOPMed 0.00001.
gnomAD v4.1: 1 of 1,605,480 alleles (0.000062%); highest among the groups gnomAD compares: Non-Finnish European, 0.000085%; no homozygotes.

Submission:

Labcorp Genetics (formerly Invitae), Labcorp
Classification: Uncertain significance. Last evaluated: 2024-07-23. Review status: criteria provided, single submitter. Criteria: Invitae Variant Classification Sherloc (09022015). Collection method: clinical testing. Allele origin: germline.
Comment: This sequence change replaces glutamic acid, which is acidic and polar, with lysine, which is basic and polar, at codon 1415 of the TOP2B protein (p.Glu1415Lys). This variant is not present in population databases (gnomAD no frequency). This variant has not been reported in the literature in individuals affected with TOP2B-related conditions. ClinVar contains an entry for this variant (Variation ID: 1429816). An algorithm developed to predict the effect of missense changes on protein structure and function (PolyPhen-2) suggests that this variant is likely to be tolerated. In summary, the available evidence is currently insufficient to determine the role of this variant in disease. Therefore, it has been classified as a Variant of Uncertain Significance.